The following is an entry in ClinVar:

NM_000543.5(SMPD1):c.1822_1825dup (p.Cys609fs)

Gene: SMPD1 (sphingomyelin phosphodiesterase 1; plus strand). Cytogenetic location: 11p15.4.
Variant type: Duplication.
Coding change: c.1822_1825dup on transcript NM_000543.5 (MANE Select); coding-DNA positions 1822 to 1825, 4 bases duplicated (CTGT; older notation c.1822_1825dupCTGT).
Protein change: p.Cys609fs; shifts the reading frame from cysteine 609.
Molecular consequence: frameshift variant. On other transcripts: 3 prime UTR variant (1), non-coding transcript variant (2).
Genome position (GRCh38, 1-based): chr11:6,394,533-6,394,536, CTGT duplicated; duplicating any 4 consecutive bases within chr11:6,394,532-6,394,536 gives the same sequence; the c. name uses the placement nearest the transcript's 3' end. VCF-style (leftmost placement, unchanged base first): chr11-6394531-C-CTCTG. GRCh37 (hg19) VCF-style: chr11-6415761-C-CTCTG.
Other names: c.1819_1822dup, p.Cys608fs (NM_001007593.3); c.*315_*318dup (NM_001318087.2); c.901_904dup, p.Cys302fs (NM_001318088.2); c.1690_1693dup, p.Cys565fs (NM_001365135.2); short protein forms C302fs, C609fs, C565fs, C608fs.
Identifiers: ClinVar variation 2953308 (VCV002953308.3), dbSNP rs2493824186, ClinGen allele CA2740093622.

ClinVar aggregate classification (germline): Pathogenic (1 of 4 stars; one submission).

Conditions:
Niemann-Pick disease, type B. Also called: Chronic Visceral ASMD (Niemann-Pick Disease Type B; NPD-B). Identifiers: Orphanet 77293, MedGen C0268243, MONDO:0011871, OMIM 607616. Disease mechanism: loss of function.
Niemann-Pick disease, type A. Also called: SPHINGOMYELIN LIPIDOSIS; SPHINGOMYELINASE DEFICIENCY; Infantile Neurovisceral ASMD (Niemann-Pick Disease Type A; NPD-A). Identifiers: Orphanet 77292, MedGen C0268242, MONDO:0009756, OMIM 257200. Disease mechanism: loss of function.

Submission:

Labcorp Genetics (formerly Invitae), Labcorp
Classification: Pathogenic for Niemann-Pick disease, type B; Niemann-Pick disease, type A. Last evaluated: 2023-10-27. Review status: criteria provided, single submitter. Criteria: Invitae Variant Classification Sherloc (09022015). Collection method: clinical testing. Allele origin: germline.
Comment: This sequence change results in a frameshift in the SMPD1 gene (p.Cys609Serfs*38). While this is not anticipated to result in nonsense mediated decay, it is expected to disrupt the last 23 amino acid(s) of the SMPD1 protein and extend the protein by 14 additional amino acid residues. This variant is not present in population databases (gnomAD no frequency). This variant has not been reported in the literature in individuals affected with SMPD1-related conditions. This variant disrupts a region of the SMPD1 protein in which other variant(s) (p.Arg610Cys) have been determined to be pathogenic (PMID: 34660203). This suggests that this is a clinically significant region of the protein, and that variants that disrupt it are likely to be disease-causing. For these reasons, this variant has been classified as Pathogenic.

Literature cited by the submitters: PubMed 34660203.